The following is an entry in ClinVar:

NM_006231.4(POLE):c.1649G>A (p.Gly550Glu)

Gene: POLE (DNA polymerase epsilon, catalytic subunit; minus strand). Cytogenetic location: 12q24.33.
Variant type: single nucleotide variant.
Coding change: c.1649G>A on transcript NM_006231.4 (MANE Select); coding-DNA position 1649, G replaced by A.
Protein change: p.Gly550Glu; replaces glycine 550 with glutamic acid.
Molecular consequence: missense variant.
Genome position (GRCh38, 1-based): chr12:132,672,664, C>T on the plus strand (G>A on the coding strand, the complement: POLE is on the minus strand). VCF-style: chr12-132672664-C-T. GRCh37 (hg19) VCF-style: chr12-133249250-C-T.
Other names: short protein forms G550E.
Identifiers: ClinVar variation 540714 (VCV000540714.8), dbSNP rs1555228272, ClinGen allele CA387356585.

ClinVar aggregate classification (germline): Uncertain significance (1 of 4 stars; one submission).

Submission:

Labcorp Genetics (formerly Invitae), Labcorp
Classification: Uncertain significance. Last evaluated: 2023-12-15. Review status: criteria provided, single submitter. Criteria: Invitae Variant Classification Sherloc (09022015). Collection method: clinical testing. Allele origin: germline.
Comment: This sequence change replaces glycine, which is neutral and non-polar, with glutamic acid, which is acidic and polar, at codon 550 of the POLE protein (p.Gly550Glu). This variant is not present in population databases (gnomAD no frequency). This variant has not been reported in the literature in individuals affected with POLE-related conditions. ClinVar contains an entry for this variant (Variation ID: 540714). Advanced modeling of protein sequence and biophysical properties (such as structural, functional, and spatial information, amino acid conservation, physicochemical variation, residue mobility, and thermodynamic stability) performed at Invitae indicates that this missense variant is expected to disrupt POLE protein function with a positive predictive value of 80%. Algorithms developed to predict the effect of sequence changes on RNA splicing suggest that this variant may create or strengthen a splice site. In summary, the available evidence is currently insufficient to determine the role of this variant in disease. Therefore, it has been classified as a Variant of Uncertain Significance.